The following is an entry in ClinVar:

NM_000548.5(TSC2):c.4695G>T (p.Glu1565Asp)

Gene: TSC2 (TSC complex subunit 2; plus strand). Cytogenetic location: 16p13.3.
Variant type: single nucleotide variant.
Coding change: c.4695G>T on transcript NM_000548.5 (MANE Select); coding-DNA position 4695, G replaced by T.
Protein change: p.Glu1565Asp; replaces glutamic acid 1565 with aspartic acid.
Molecular consequence: missense variant.
Genome position (GRCh38, 1-based): chr16:2,086,225, G>T. VCF-style: chr16-2086225-G-T. GRCh37 (hg19) VCF-style: chr16-2136226-G-T.
Other names: c.4494G>T, p.Glu1498Asp (NM_001077183.3); c.4626G>T, p.Glu1542Asp (NM_001114382.3); c.4386G>T, p.Glu1462Asp (NM_001318827.2); c.4350G>T, p.Glu1450Asp (NM_001318829.2); c.3963G>T, p.Glu1321Asp (NM_001318831.2); c.4527G>T, p.Glu1509Asp (NM_001318832.2); c.4497G>T, p.Glu1499Asp (NM_001363528.2); c.4563G>T, p.Glu1521Asp (NM_001370404.1); and 1 more; short protein forms E1509D, E1521D, E1522D, E1450D, E1565D, E1462D, E1498D, E1542D.
Identifiers: ClinVar variation 1361035 (VCV001361035.8), dbSNP rs762372483, ClinGen allele CA394307224.

ClinVar aggregate classification (germline): Uncertain significance (1 of 4 stars; one submission).

Conditions:
Tuberous sclerosis 2 (TSC2). Identifiers: Orphanet 805, MedGen C1860707, MONDO:0013199, OMIM 613254.

Submission:

Labcorp Genetics (formerly Invitae), Labcorp
Classification: Uncertain significance for Tuberous sclerosis 2. Last evaluated: 2021-06-14. Review status: criteria provided, single submitter. Criteria: Invitae Variant Classification Sherloc (09022015). Collection method: clinical testing. Allele origin: germline.
Comment: In summary, the available evidence is currently insufficient to determine the role of this variant in disease. Therefore, it has been classified as a Variant of Uncertain Significance. Advanced modeling of protein sequence and biophysical properties (such as structural, functional, and spatial information, amino acid conservation, physicochemical variation, residue mobility, and thermodynamic stability) performed at Invitae indicates that this missense variant is not expected to disrupt TSC2 protein function. This variant has not been reported in the literature in individuals with TSC2-related conditions. This variant is not present in population databases (ExAC no frequency). This sequence change replaces glutamic acid with aspartic acid at codon 1565 of the TSC2 protein (p.Glu1565Asp). The glutamic acid residue is highly conserved and there is a small physicochemical difference between glutamic acid and aspartic acid.